The following is an entry in ClinVar:

NM_020297.4(ABCC9):c.4512+697_4512+698insA

Genes: ABCC9 (ATP binding cassette subfamily C member 9; minus strand), KCNJ8-AS1 (KCNJ8 antisense RNA 1; plus strand). Cytogenetic location: 12p12.1.
Variant type: Insertion.
Coding change: c.4512+697_4512+698insA on transcript NM_020297.4 (MANE Select); bases 697 to 698 of the intron after coding-DNA position 4512, A inserted.
Molecular consequence: intron variant. On other transcripts: frameshift variant (1).
Genome position: GRCh38 VCF-style: chr12-21805300-A-AT. GRCh37 (hg19) VCF-style: chr12-21958234-A-AT.
Other names: c.4523_4524insA, p.Ser1509fs (NM_005691.4); c.3645+697_3645+698insA (NM_001377274.1); c.4512+697_4512+698insA (NM_001377273.1); short protein forms S1509fs.
Identifiers: ClinVar variation 3685564 (VCV003685564.2).

ClinVar aggregate classification (germline): Uncertain significance (1 of 4 stars; one submission).

Conditions:
Dilated cardiomyopathy 1O (CMD1O). Also called: CARDIOMYOPATHY, DILATED, WITH VENTRICULAR TACHYCARDIA. Identifiers: Orphanet 154, MedGen C1837839, MONDO:0012062, OMIM 608569.

Submission:

Labcorp Genetics (formerly Invitae), Labcorp
Classification: Uncertain significance for Dilated cardiomyopathy 1O. Last evaluated: 2024-02-08. Review status: criteria provided, single submitter. Criteria: Invitae Variant Classification Sherloc (09022015). Collection method: clinical testing. Allele origin: germline.
Comment: This sequence change creates a premature translational stop signal (p.Ser1509Phefs*13) in the ABCC9 gene. While this is not anticipated to result in nonsense mediated decay, it is expected to disrupt the last 41 amino acid(s) of the ABCC9 protein. This variant is present in population databases (no rsID available, gnomAD 0.01%). This variant has not been reported in the literature in individuals affected with ABCC9-related conditions. Algorithms developed to predict the effect of sequence changes on RNA splicing suggest that this variant may disrupt the consensus splice site. In summary, the available evidence is currently insufficient to determine the role of this variant in disease. Therefore, it has been classified as a Variant of Uncertain Significance.